The following is an entry in ClinVar:

ClinVar aggregate classification (germline): Uncertain significance (1 of 4 stars; one submission).

Submission:

Labcorp Genetics (formerly Invitae), Labcorp
Classification: Uncertain significance. Last evaluated: 2022-04-03. Review status: criteria provided, single submitter. Criteria: Invitae Variant Classification Sherloc (09022015). Collection method: clinical testing. Allele origin: germline.
Comment: This sequence change falls in intron 7 of the CCDC50 gene. It does not directly change the encoded amino acid sequence of the CCDC50 protein. It affects a nucleotide within the consensus splice site. This variant is not present in population databases (gnomAD no frequency). This variant has not been reported in the literature in individuals affected with CCDC50-related conditions. Variants that disrupt the consensus splice site are a relatively common cause of aberrant splicing (PMID: 17576681, 9536098). Algorithms developed to predict the effect of sequence changes on RNA splicing suggest that this variant is not likely to affect RNA splicing. In summary, the available evidence is currently insufficient to determine the role of this variant in disease. Therefore, it has been classified as a Variant of Uncertain Significance.

Literature cited by the submitters: PubMed 17576681; PubMed 9536098.

NM_178335.3(CCDC50):c.1093-5_1093-3del

Gene: CCDC50 (coiled-coil domain containing 50; plus strand). Cytogenetic location: 3q28.
Variant type: Deletion.
Coding change: c.1093-5_1093-3del on transcript NM_178335.3 (MANE Select); 5 bases into the intron before coding-DNA position 1093 through 3 bases into the intron before coding-DNA position 1093, 3 bases deleted (CAT; older notation c.1093-5_1093-3delCAT).
Molecular consequence: intron variant.
Genome position (GRCh38, 1-based): chr3:191,380,682-191,380,684, CAT deleted; deleting any 3 consecutive bases within chr3:191,380,680-191,380,684 gives the same sequence; the c. name uses the placement nearest the transcript's 3' end. VCF-style (leftmost placement, unchanged base first): chr3-191380679-TATC-T. GRCh37 (hg19) VCF-style: chr3-191098468-TATC-T.
Other names: c.565-5_565-3del (NM_174908.4).
Identifiers: ClinVar variation 2120974 (VCV002120974.4), dbSNP rs2474061928, ClinGen allele CA2580070584.
Genomic context (GRCh38, chr3:191,380,679, plus strand): 5'-CAAGATACTGAAAATGCACAACATAGATTCCAATTAAATTCTTTGTTTTTGTATTTTCGA[TATC>T]ATAGGCTACCCAGGTGGACATGAGAGCCGCTCAAGTAGCTCAAGATGAAGTAAGTTAATG-3'